The following is an entry in ClinVar:

ClinVar aggregate classification (germline): Uncertain significance (1 of 4 stars; one submission).

Conditions:
Hereditary cancer-predisposing syndrome. Also called: Neoplastic Syndromes, Hereditary; Tumor predisposition; Hereditary Cancer Syndrome; Hereditary neoplastic syndrome. Identifiers: Orphanet 140162, MedGen C0027672, MeSH D009386, MONDO:0015356.

Submission:

Ambry Genetics
Classification: Uncertain significance for Hereditary cancer-predisposing syndrome. Last evaluated: 2025-09-19. Review status: criteria provided, single submitter. Criteria: Ambry Variant Classification Scheme 2023. Collection method: clinical testing. Allele origin: germline.
Comment: The p.L76V variant (also known as c.226C>G), located in coding exon 2 of the DICER1 gene, results from a C to G substitution at nucleotide position 226. The leucine at codon 76 is replaced by valine, an amino acid with highly similar properties. This amino acid position is conserved. In addition, the in silico prediction for this alteration is inconclusive. Based on the available evidence, the clinical significance of this variant remains unclear.

NM_177438.3(DICER1):c.226C>G (p.Leu76Val)

Gene: DICER1 (dicer 1, ribonuclease III; minus strand). Cytogenetic location: 14q32.13.
Variant type: single nucleotide variant.
Coding change: c.226C>G on transcript NM_177438.3 (MANE Select); coding-DNA position 226, C replaced by G.
Protein change: p.Leu76Val; replaces leucine 76 with valine.
Molecular consequence: missense variant. On other transcripts: 5 prime UTR variant (9), non-coding transcript variant (6).
Genome position (GRCh38, 1-based): chr14:95,132,596, G>C on the plus strand (C>G on the coding strand, the complement: DICER1 is on the minus strand). VCF-style: chr14-95132596-G-C. GRCh37 (hg19) VCF-style: chr14-95598933-G-C.
Other names: c.226C>G, p.Leu76Val (NM_001195573.1, NM_001271282.3, NM_001291628.2 and 14 more transcripts); c.-49C>G (NM_001395686.1, NM_001395687.1, NM_001395688.1 and 4 more transcripts); c.-233C>G (NM_001395691.1); c.-1343C>G (NM_001395697.1); short protein forms L76V.
Identifiers: ClinVar variation 4636823 (VCV004636823.1).
Genomic context (GRCh38, chr14:95,132,596, plus strand): 5'-TCCTTTTTCCATTTCTGCTGAAGTCTCCCCTGATCTGATAGGACAGCTCTTTAGTGAGTA[G>C]TACTGCAATAAATGTCTTCCCTGAGCCAGTGTTTAAACAGACGATGGTATTATGATCCAG-3'
Protein context (NP_803187.1, residues 66-86): TGSGKTFIAV[Leu76Val]LTKELSYQIR